The following is an entry in ClinVar:

NM_001288705.3(CSF1R):c.*199A>G

Gene: CSF1R (colony stimulating factor 1 receptor; minus strand). Cytogenetic location: 5q32.
Variant type: single nucleotide variant.
Coding change: c.*199A>G on transcript NM_001288705.3 (MANE Select); 199 bases downstream of the stop codon, A replaced by G.
Molecular consequence: 3 prime UTR variant. On other transcripts: non-coding transcript variant (2).
Genome position (GRCh38, 1-based): chr5:150,053,870, T>C on the plus strand (A>G on the coding strand, the complement: CSF1R is on the minus strand). VCF-style: chr5-150053870-T-C. GRCh37 (hg19) VCF-style: chr5-149433433-T-C.
Other names: c.*199A>G (NM_001349736.2, NM_001375320.1, NM_001375321.1 and 1 more transcripts).
Identifiers: ClinVar variation 352116 (VCV000352116.5), dbSNP rs138239430, ClinGen allele CA10619702.

ClinVar aggregate classification (germline): Benign (1 of 4 stars; one submission).

Conditions:
Hereditary diffuse leukoencephalopathy with spheroids. Also called: LEUKOENCEPHALOPATHY, ADULT-ONSET, WITH AXONAL SPHEROIDS AND PIGMENTED GLIA. Identifiers: Orphanet 313808, MedGen C3711381, MONDO:0030796.

Allele frequency attached by ClinVar (database versions not stated): 1000 Genomes Project 30x 0.00047; gnomAD exomes 0.00079; TOPMed 0.00010; gnomAD 0.00004 and 0.00013; 1000 Genomes Project 0.00060.
gnomAD v4.1: 365 of 615,390 alleles (0.059%); highest among the groups gnomAD compares: East Asian, 1%; 2 homozygotes.

Submission:

Illumina Laboratory Services, Illumina
Classification: Benign for Leukoencephalopathy, diffuse hereditary, with spheroids 1. Last evaluated: 2018-01-12. Review status: criteria provided, single submitter. Criteria: ICSL Variant Classification Criteria 13 December 2019. Collection method: clinical testing. Allele origin: germline.
Comment: This variant was observed in the ICSL laboratory as part of a predisposition screen in an ostensibly healthy population. It had not been previously curated by ICSL or reported in the Human Gene Mutation Database (HGMD: prior to June 1st, 2018), and was therefore a candidate for classification through an automated scoring system. Utilizing variant allele frequency, disease prevalence and penetrance estimates, and inheritance mode, an automated score was calculated to assess if this variant is too frequent to cause the disease. Based on the score and internal cut-off values, a variant classified as benign is not then subjected to further curation. The score for this variant resulted in a classification of benign for this disease.